The following is an entry in ClinVar:

ClinVar aggregate classification (germline): Uncertain significance (1 of 4 stars; one submission).

Conditions:
Cardiovascular phenotype. Identifiers: MedGen CN230736.

Submission:

Ambry Genetics
Classification: Uncertain significance for Cardiovascular phenotype. Last evaluated: 2024-05-15. Review status: criteria provided, single submitter. Criteria: Ambry Variant Classification Scheme 2023. Collection method: clinical testing. Allele origin: germline.
Comment: The p.W17G variant (also known as c.49T>G), located in coding exon 1 of the KCNQ1 gene, results from a T to G substitution at nucleotide position 49. The tryptophan at codon 17 is replaced by glycine, an amino acid with highly dissimilar properties. This amino acid position is poorly conserved in available vertebrate species. In addition, the in silico prediction for this alteration is inconclusive. Based on the available evidence, the clinical significance of this variant remains unclear.

NM_000218.3(KCNQ1):c.49T>G (p.Trp17Gly)

Gene: KCNQ1 (potassium voltage-gated channel subfamily Q member 1; plus strand). Cytogenetic location: 11p15.5.
Variant type: single nucleotide variant.
Coding change: c.49T>G on transcript NM_000218.3 (MANE Select); coding-DNA position 49, T replaced by G.
Protein change: p.Trp17Gly; replaces tryptophan 17 with glycine.
Molecular consequence: missense variant. On other transcripts: 5 prime UTR variant (1).
Genome position (GRCh38, 1-based): chr11:2,445,147, T>G. VCF-style: chr11-2445147-T-G. GRCh37 (hg19) VCF-style: chr11-2466377-T-G.
Other names: c.49T>G, p.Trp17Gly (NM_001406836.1, NM_001406838.1); c.-314T>G (NM_001406837.1); short protein forms W17G.
Identifiers: ClinVar variation 3287729 (VCV003287729.1).